The following is an entry in ClinVar:

NM_004341.5(CAD):c.1731C>T (p.Leu577=)

Gene: CAD (carbamoyl-phosphate synthetase 2, aspartate transcarbamylase, and dihydroorotase; plus strand). Cytogenetic location: 2p23.3.
Variant type: single nucleotide variant.
Coding change: c.1731C>T on transcript NM_004341.5 (MANE Select); coding-DNA position 1731, C replaced by T.
Protein change: p.Leu577=; no amino-acid change (leucine 577 retained).
Molecular consequence: synonymous variant.
Genome position (GRCh38, 1-based): chr2:27,225,815, C>T. VCF-style: chr2-27225815-C-T. GRCh37 (hg19) VCF-style: chr2-27448683-C-T.
Other names: c.1731C>T, p.Leu577= (NM_001306079.2).
Identifiers: ClinVar variation 1924336 (VCV001924336.29), dbSNP rs756647191, ClinGen allele CA1572813.
Genomic context (GRCh38, chr2:27,225,815, plus strand): 5'-CTTTGCCCTGGGTGGCCTGGGCTCTGGCTTTGCCTCTAACAGGGAGGAGCTCTCTGCTCT[C>T]GTGGCCCCAGCTTTTGCCCATACCAGCCAAGTGCTAGTAGACAAGTCTCTGAAGGGATGG-3'
Protein context (NP_004332.2, residues 567-587): FASNREELSA[Leu577=]VAPAFAHTSQ

ClinVar aggregate classification (germline): Likely benign. Review status: criteria provided, multiple submitters, no conflicts (2 of 4 stars). 2 submissions from 2 submitters: Likely benign (2). Last evaluated 2023-12-22.

Allele frequency attached by ClinVar (database versions not stated): ExAC 0.00002; gnomAD 0.00002; gnomAD exomes 0.00002.
gnomAD v4.1: 36 of 1,614,012 alleles (0.0022%); highest among the groups gnomAD compares: Non-Finnish European, 0.0027%; no homozygotes.

Submissions (2):

Labcorp Genetics (formerly Invitae), Labcorp
Classification: Likely benign. Last evaluated: 2023-12-22. Review status: criteria provided, single submitter. Criteria: Invitae Variant Classification Sherloc (09022015). Collection method: clinical testing. Allele origin: germline.

CeGaT Center for Human Genetics Tuebingen
Classification: Likely benign. Last evaluated: 2022-10-01. Review status: criteria provided, single submitter. Criteria: CeGaT Center For Human Genetics Tuebingen Variant Classification Criteria Version 2. Collection method: clinical testing. Allele origin: germline. Affected: yes. Observed: 1 variant allele.
Comment: CAD: BP4, BP7